The following is an entry in ClinVar:

ClinVar aggregate classification (germline): Uncertain significance (1 of 4 stars; one submission).

Conditions:
Hereditary cancer-predisposing syndrome. Also called: Hereditary Cancer Syndrome; Neoplastic Syndromes, Hereditary; Tumor predisposition; Hereditary neoplastic syndrome. Identifiers: Orphanet 140162, MedGen C0027672, MeSH D009386, MONDO:0015356.

Submission:

Ambry Genetics
Classification: Uncertain significance for Hereditary cancer-predisposing syndrome. Last evaluated: 2026-08-09. Review status: criteria provided, single submitter. Criteria: Ambry Variant Classification Scheme 2023. Collection method: clinical testing. Allele origin: germline.
Comment: The p.M1056K variant (also known as c.3167T>A), located in coding exon 19 of the ALK gene, results from a T to A substitution at nucleotide position 3167. The methionine at codon 1056 is replaced by lysine, an amino acid with similar properties. This amino acid position is conserved. In addition, this alteration is predicted to be deleterious by in silico analysis. Based on the available evidence, the clinical significance of this variant remains unclear.

NM_004304.5(ALK):c.3167T>A (p.Met1056Lys)

Gene: ALK (ALK receptor tyrosine kinase; minus strand). Cytogenetic location: 2p23.2.
Variant type: single nucleotide variant.
Coding change: c.3167T>A on transcript NM_004304.5 (MANE Select); coding-DNA position 3167, T replaced by A.
Protein change: p.Met1056Lys; replaces methionine 1056 with lysine.
Molecular consequence: missense variant.
Genome position (GRCh38, 1-based): chr2:29,225,466, A>T on the plus strand (T>A on the coding strand, the complement: ALK is on the minus strand). VCF-style: chr2-29225466-A-T. GRCh37 (hg19) VCF-style: chr2-29448332-A-T.
Other names: short protein forms M1056K.
Identifiers: ClinVar variation 5035462 (VCV005035462.1).